The following is an entry in ClinVar:

NM_019032.6(ADAMTSL4):c.2780G>T (p.Gly927Val)

Gene: ADAMTSL4 (ADAMTS like 4; plus strand). Cytogenetic location: 1q21.2.
Variant type: single nucleotide variant.
Coding change: c.2780G>T on transcript NM_019032.6 (MANE Select); coding-DNA position 2780, G replaced by T.
Protein change: p.Gly927Val; replaces glycine 927 with valine.
Molecular consequence: missense variant.
Genome position (GRCh38, 1-based): chr1:150,559,303, G>T. VCF-style: chr1-150559303-G-T. GRCh37 (hg19) VCF-style: chr1-150531779-G-T.
Other names: c.2663G>T, p.Gly888Val (NM_001288607.2); c.2849G>T, p.Gly950Val (NM_001288608.2); c.2780G>T, p.Gly927Val (NM_001378596.1); short protein forms G888V, G927V, G950V.
Identifiers: ClinVar variation 1468453 (VCV001468453.6), dbSNP rs1479026538, ClinGen allele CA342316992.
Genomic context (GRCh38, chr1:150,559,303, plus strand): 5'-CTGTCCTCCCCTCCCCTCATCACCCTGCCCTCCCCCTACACTAGTGCTCCTCCGAATGTG[G>T]CTCTGGCACACAGCGTAGAGACATCATCTGTGTATCCAAACTGGGGACGGAGTTCAACGT-3'
Protein context (NP_061905.2, residues 917-937): GPWGECSSEC[Gly927Val]SGTQRRDIIC

ClinVar aggregate classification (germline): Uncertain significance (1 of 4 stars; one submission).

Allele frequency attached by ClinVar (database versions not stated): gnomAD exomes below 0.00001 and 0.00001; TOPMed below 0.00001; gnomAD 0.00001.
gnomAD v4.1: 4 of 1,613,940 alleles (0.00025%); highest among the groups gnomAD compares: Middle Eastern, 0.033%; no homozygotes.

Submission:

Labcorp Genetics (formerly Invitae), Labcorp
Classification: Uncertain significance. Last evaluated: 2022-06-20. Review status: criteria provided, single submitter. Criteria: Invitae Variant Classification Sherloc (09022015). Collection method: clinical testing. Allele origin: germline.
Comment: This sequence change replaces glycine, which is neutral and non-polar, with valine, which is neutral and non-polar, at codon 927 of the ADAMTSL4 protein (p.Gly927Val). This variant is present in population databases (no rsID available, gnomAD 0.0009%). This variant has not been reported in the literature in individuals affected with ADAMTSL4-related conditions. Algorithms developed to predict the effect of missense changes on protein structure and function (SIFT, PolyPhen-2, Align-GVGD) all suggest that this variant is likely to be disruptive. Algorithms developed to predict the effect of sequence changes on RNA splicing suggest that this variant may create or strengthen a splice site. In summary, the available evidence is currently insufficient to determine the role of this variant in disease. Therefore, it has been classified as a Variant of Uncertain Significance.